The following is an entry in ClinVar:

NM_024757.5(EHMT1):c.3818G>A (p.Arg1273His)

Gene: EHMT1 (euchromatic histone lysine methyltransferase 1; plus strand). Cytogenetic location: 9q34.3.
Variant type: single nucleotide variant.
Coding change: c.3818G>A on transcript NM_024757.5 (MANE Select); coding-DNA position 3818, G replaced by A.
Protein change: p.Arg1273His; replaces arginine 1273 with histidine.
Molecular consequence: missense variant.
Genome position (GRCh38, 1-based): chr9:137,834,874, G>A. VCF-style: chr9-137834874-G-A. GRCh37 (hg19) VCF-style: chr9-140729326-G-A.
Other names: c.3797G>A, p.Arg1266His (NM_001354263.2); short protein forms R1273H, R1266H.
Identifiers: ClinVar variation 578664 (VCV000578664.12), dbSNP rs1564847357, ClinGen allele CA375783545.

ClinVar aggregate classification (germline): Conflicting classifications of pathogenicity. Review status: criteria provided, conflicting classifications (1 of 4 stars). 2 submissions from 2 submitters: Uncertain significance (1); Likely benign (1). Last evaluated 2022-11-01.

Conditions:
Kleefstra syndrome 1 (KLEFS1). Identifiers: Orphanet 261494, MedGen C0795833, MONDO:0027407, OMIM 610253.
EHMT1-related disorder. Also called: EHMT1-related condition.

gnomAD v4.1: 5 of 1,610,402 alleles (0.00031%); highest among the groups gnomAD compares: South Asian, 0.0055%; no homozygotes.

Submissions (2):

Labcorp Genetics (formerly Invitae), Labcorp
Classification: Likely benign for Kleefstra syndrome 1. Last evaluated: 2022-11-01. Review status: criteria provided, single submitter. Criteria: Invitae Variant Classification Sherloc (09022015). Collection method: clinical testing. Allele origin: germline.

PreventionGenetics, part of Exact Sciences
Classification: Uncertain significance for EHMT1-related condition. Last evaluated: 2022-08-26. Review status: criteria provided, single submitter. Criteria: ACMG Guidelines, 2015. Collection method: clinical testing. Allele origin: germline.
Comment: The EHMT1 c.3818G>A variant is predicted to result in the amino acid substitution p.Arg1273His. To our knowledge, this variant has not been reported in the literature or in a large population database, indicating this variant is rare. At this time, the clinical significance of this variant is uncertain due to the absence of conclusive functional and genetic evidence.